The following is an entry in ClinVar:

NM_014714.4(IFT140):c.4059C>A (p.Pro1353=)

Gene: IFT140 (intraflagellar transport 140; minus strand). Cytogenetic location: 16p13.3.
Variant type: single nucleotide variant.
Coding change: c.4059C>A on transcript NM_014714.4 (MANE Select); coding-DNA position 4059, C replaced by A.
Protein change: p.Pro1353=; no amino-acid change (proline 1353 retained).
Molecular consequence: synonymous variant.
Genome position (GRCh38, 1-based): chr16:1,518,339, G>T on the plus strand (C>A on the coding strand, the complement: IFT140 is on the minus strand). VCF-style: chr16-1518339-G-T. GRCh37 (hg19) VCF-style: chr16-1568340-G-T.
Other names: c.4059C>A (NM_014714.3).
Identifiers: ClinVar variation 1907908 (VCV001907908.6), dbSNP rs1811981191, ClinGen allele CA492931701.
Genomic context (GRCh38, chr16:1,518,339, plus strand): 5'-GATGGTGCTGTCCAGGTCTGGTTCCTCCAGGAGCAGCTCACACTGCTTGATGGACTCCTT[G>T]GGGTCCTCTGTGTACGTCCTGCCGAGAGCAGAGATGAGGCCTGGGCCCCGAAGCCCTGAA-3'
Protein context (NP_055529.2, residues 1343-1363): IQARRTYTED[Pro1353=]KESIKQCELL

ClinVar aggregate classification (germline): Likely benign. Review status: criteria provided, multiple submitters, no conflicts (2 of 4 stars). 2 submissions from 2 submitters: Likely benign (2). Last evaluated 2026-08-18.

Conditions:
IFT140-related disorder. Also called: IFT140-related condition.
Saldino-Mainzer syndrome (SRTD9). Also called: Renal dysplasia, retinal pigmentary dystrophy, cerebellar ataxia and skeletal dysplasia; short-rib thoracic dysplasia 9 with or without polydactyly; CONORENAL SYNDROME; SHORT-RIB THORACIC DYSPLASIA 9 WITHOUT POLYDACTYLY. Identifiers: Orphanet 140969, MedGen C1849437, MONDO:0009964, OMIM 266920.

Allele frequency attached by ClinVar (database versions not stated): TOPMed below 0.00001; gnomAD exomes 0.00001.

Submissions (2):

PreventionGenetics, part of Exact Sciences
Classification: Likely benign for IFT140-related condition. Last evaluated: 2026-08-18. Review status: criteria provided, single submitter. Criteria: ACMG Guidelines, 2015. Collection method: clinical testing. Allele origin: germline.
Comment: This variant is classified as likely benign based on ACMG/AMP sequence variant interpretation guidelines (Richards et al. 2015 PMID: 25741868, with internal and published modifications).

Labcorp Genetics (formerly Invitae), Labcorp
Classification: Likely benign for Saldino-Mainzer syndrome. Last evaluated: 2022-10-04. Review status: criteria provided, single submitter. Criteria: Invitae Variant Classification Sherloc (09022015). Collection method: clinical testing. Allele origin: germline.